The following is an entry in ClinVar:

NM_016604.4(KDM3B):c.2014C>G (p.Pro672Ala)

Gene: KDM3B (lysine demethylase 3B; plus strand). Cytogenetic location: 5q31.2.
Variant type: single nucleotide variant.
Coding change: c.2014C>G on transcript NM_016604.4 (MANE Select); coding-DNA position 2014, C replaced by G.
Protein change: p.Pro672Ala; replaces proline 672 with alanine.
Molecular consequence: missense variant.
Genome position (GRCh38, 1-based): chr5:138,391,646, C>G. VCF-style: chr5-138391646-C-G. GRCh37 (hg19) VCF-style: chr5-137727335-C-G.
Other names: short protein forms P672A.
Identifiers: ClinVar variation 2633883 (VCV002633883.1), dbSNP rs375025015, ClinGen allele CA128187070.

ClinVar aggregate classification (germline): Uncertain significance (1 of 4 stars; one submission).

Conditions:
KDM3B-related disorder. Also called: KDM3B-related condition.

Allele frequency attached by ClinVar (database versions not stated): gnomAD exomes below 0.00001; TOPMed below 0.00001; ESP Exome Variant Server 0.00008.

Submission:

PreventionGenetics, part of Exact Sciences
Classification: Uncertain significance for KDM3B-related condition. Last evaluated: 2023-04-12. Review status: criteria provided, single submitter. Criteria: ACMG Guidelines, 2015. Collection method: clinical testing. Allele origin: germline.
Comment: The KDM3B c.2014C>G variant is predicted to result in the amino acid substitution p.Pro672Ala. To our knowledge, this variant has not been reported in the literature. This variant is reported in 0.0099% of alleles in individuals of Ashkenazi Jewish descent in gnomAD. At this time, the clinical significance of this variant is uncertain due to the absence of conclusive functional and genetic evidence.